The following is an entry in ClinVar:

ClinVar aggregate classification (germline): Uncertain significance (1 of 4 stars; one submission).

Submission:

Labcorp Genetics (formerly Invitae), Labcorp
Classification: Uncertain significance. Last evaluated: 2022-08-14. Review status: criteria provided, single submitter. Criteria: Invitae Variant Classification Sherloc (09022015). Collection method: clinical testing. Allele origin: germline.
Comment: This variant is not present in population databases (gnomAD no frequency). This variant has not been reported in the literature in individuals affected with TUBB1-related conditions. Algorithms developed to predict the effect of missense changes on protein structure and function are either unavailable or do not agree on the potential impact of this missense change (SIFT: "Not Available"; PolyPhen-2: "Probably Damaging"; Align-GVGD: "Not Available"). In summary, the available evidence is currently insufficient to determine the role of this variant in disease. Therefore, it has been classified as a Variant of Uncertain Significance. This sequence change replaces glycine, which is neutral and non-polar, with arginine, which is basic and polar, at codon 132 of the TUBB1 protein (p.Gly132Arg).

NM_030773.4(TUBB1):c.394G>C (p.Gly132Arg)

Gene: TUBB1 (tubulin beta 1 class VI; plus strand). Cytogenetic location: 20q13.32.
Variant type: single nucleotide variant.
Coding change: c.394G>C on transcript NM_030773.4 (MANE Select); coding-DNA position 394, G replaced by C.
Protein change: p.Gly132Arg; replaces glycine 132 with arginine.
Molecular consequence: missense variant.
Genome position (GRCh38, 1-based): chr20:59,023,821, G>C. VCF-style: chr20-59023821-G-C. GRCh37 (hg19) VCF-style: chr20-57598876-G-C.
Other names: short protein forms G132R.
Identifiers: ClinVar variation 2024187 (VCV002024187.4), dbSNP rs2515916809, ClinGen allele CA409466838.